The following is an entry in ClinVar:

ClinVar aggregate classification (germline): Uncertain significance (1 of 4 stars; one submission).

Submission:

GeneDx
Classification: Uncertain significance. Last evaluated: 2023-03-24. Review status: criteria provided, single submitter. Criteria: GeneDx Variant Classification Process June 2021. Collection method: clinical testing. Allele origin: germline. Affected: yes.
Comment: Not observed at significant frequency in large population cohorts (gnomAD); In silico analysis supports that this missense variant has a deleterious effect on protein structure/function; Has not been previously published as pathogenic or benign to our knowledge

NM_012330.4(KAT6B):c.2737T>G (p.Tyr913Asp)

Gene: KAT6B (lysine acetyltransferase 6B; plus strand). Cytogenetic location: 10q22.2.
Variant type: single nucleotide variant.
Coding change: c.2737T>G on transcript NM_012330.4 (MANE Select); coding-DNA position 2737, T replaced by G.
Protein change: p.Tyr913Asp; replaces tyrosine 913 with aspartic acid.
Molecular consequence: missense variant.
Genome position (GRCh38, 1-based): chr10:75,020,689, T>G. VCF-style: chr10-75020689-T-G. GRCh37 (hg19) VCF-style: chr10-76780447-T-G.
Other names: c.2188T>G, p.Tyr730Asp (NM_001256468.2, NM_001370138.1); c.1861T>G, p.Tyr621Asp (NM_001256469.2, NM_001370139.1, NM_001370140.1 and 2 more transcripts); c.1699T>G, p.Tyr567Asp (NM_001370132.1); c.1048T>G, p.Tyr350Asp (NM_001370133.1); c.652T>G, p.Tyr218Asp (NM_001370134.1); c.394T>G, p.Tyr132Asp (NM_001370135.1); c.2737T>G, p.Tyr913Asp (NM_001370136.1, NM_001370137.1); c.1672T>G, p.Tyr558Asp (NM_001370143.1, NM_001370144.1); short protein forms Y132D, Y218D, Y350D, Y558D, Y567D, Y621D, Y730D, Y913D.
Identifiers: ClinVar variation 2580562 (VCV002580562.1), dbSNP rs771809008, ClinGen allele CA377280874.
Genomic context (GRCh38, chr10:75,020,689, plus strand): 5'-CCTCTCTCCGATCTGGGCCGTCTCTCCTACCTGGCATATTGGAAGAGCGTCATCTTGGAG[T>G]ATCTCTACCACCACCATGAGAGGCACATCAGCATCAAGGCAATTAGCAGAGCGACGGGCA-3'
Protein context (NP_036462.2, residues 903-923): LAYWKSVILE[Tyr913Asp]LYHHHERHIS